The following is an entry in ClinVar:

ClinVar aggregate classification (germline): Conflicting classifications of pathogenicity. Review status: criteria provided, conflicting classifications (1 of 4 stars). 5 submissions from 5 submitters: Uncertain significance (2); Likely benign (3). Last evaluated 2026-01-26.

Conditions:
NPC1-related disorder. Also called: NPC1-related condition.
Niemann-Pick disease, type C1. Also called: NEUROVISCERAL STORAGE DISEASE WITH VERTICAL SUPRANUCLEAR OPHTHALMOPLEGIA; NIEMANN-PICK DISEASE WITH CHOLESTEROL ESTERIFICATION BLOCK; NIEMANN-PICK DISEASE WITHOUT SPHINGOMYELINASE DEFICIENCY; NIEMANN-PICK DISEASE, CHRONIC NEURONOPATHIC FORM; NIEMANN-PICK DISEASE, VARIANT TYPE C1. Identifiers: Orphanet 646, MedGen C3179455, MONDO:0009757, OMIM 257220.

Allele frequency attached by ClinVar (database versions not stated): gnomAD 0.00006; TOPMed 0.00007; ESP Exome Variant Server 0.00008; gnomAD exomes 0.00010; ExAC 0.00012; 1000 Genomes Project 0.00020; 1000 Genomes Project 30x 0.00031.
gnomAD v4.1: 113 of 1,614,088 alleles (0.007%); highest among the groups gnomAD compares: East Asian, 0.04%; no homozygotes.

Submissions (9):

Labcorp Genetics (formerly Invitae), Labcorp
Classification: Likely benign for Niemann-Pick disease, type C1. Last evaluated: 2026-01-26. Review status: criteria provided, single submitter. Criteria: Invitae Variant Classification Sherloc (09022015). Collection method: clinical testing. Allele origin: germline.

PreventionGenetics, part of Exact Sciences
Classification: Likely benign for NPC1-related condition. Last evaluated: 2025-06-16. Review status: criteria provided, single submitter. Criteria: ACMG Guidelines, 2015. Collection method: clinical testing. Allele origin: germline.
Comment: This variant is classified as likely benign based on ACMG/AMP sequence variant interpretation guidelines (Richards et al. 2015 PMID: 25741868, with internal and published modifications).

Mayo Clinic Laboratories, Mayo Clinic
Classification: Likely benign. Last evaluated: 2025-04-02. Review status: criteria provided, single submitter. Criteria: ACMG Guidelines, 2015. Collection method: clinical testing. Allele origin: germline. Observed: 1 variant allele.
Comment: BP4, BP7

Eurofins Ntd Llc (ga)
Classification: Uncertain significance. Last evaluated: 2018-04-19. Review status: criteria provided, single submitter. Criteria: EGL ClinVar v180209 classification definitions. Collection method: clinical testing. Allele origin: germline. Observed: 2 variant alleles, 2 heterozygotes.

Illumina Laboratory Services, Illumina
Classification: Uncertain significance for Niemann-Pick disease type C1. Last evaluated: 2018-01-13. Review status: criteria provided, single submitter. Criteria: ICSL Variant Classification Criteria 13 December 2019. Collection method: clinical testing. Allele origin: germline.

Dr. Peter K. Rogan Lab, Western University
No classification provided (evidence only). Condition: Papillary renal cell carcinoma type 1. Review status: no classification provided. Collection method: in vitro. Allele origin: not applicable. Functional consequence: skipped exon. Not counted in ClinVar's aggregate classification.

Dr. Peter K. Rogan Lab, Western University
No classification provided (evidence only). Condition: Familial cancer of breast. Review status: no classification provided. Collection method: in vitro. Allele origin: not applicable. Functional consequence: skipped exon. Not counted in ClinVar's aggregate classification.

Dr. Peter K. Rogan Lab, Western University
No classification provided (evidence only). Condition: Malignant tumor of esophagus. Review status: no classification provided. Collection method: in vitro. Allele origin: not applicable. Functional consequence: skipped exon. Not counted in ClinVar's aggregate classification.

Dr. Peter K. Rogan Lab, Western University
No classification provided (evidence only). Condition: Malignant tumor of esophagus. Review status: no classification provided. Collection method: in vitro. Allele origin: not applicable. Functional consequence: skipped exon. Not counted in ClinVar's aggregate classification.

NM_000271.5(NPC1):c.3012G>A (p.Ser1004=)

Gene: NPC1 (NPC intracellular cholesterol transporter 1; minus strand). Cytogenetic location: 18q11.2.
Variant type: single nucleotide variant.
Coding change: c.3012G>A on transcript NM_000271.5 (MANE Select); coding-DNA position 3012, G replaced by A.
Protein change: p.Ser1004=; no amino-acid change (serine 1004 retained).
Molecular consequence: synonymous variant.
Genome position (GRCh38, 1-based): chr18:23,538,571, C>T on the plus strand (G>A on the coding strand, the complement: NPC1 is on the minus strand). VCF-style: chr18-23538571-C-T. GRCh37 (hg19) VCF-style: chr18-21118535-C-T.
Other names: p.Ser1004=.
Identifiers: ClinVar variation 326252 (VCV000326252.25), dbSNP rs182413311, ClinGen allele CA8912896.
Genomic context (GRCh38, chr18:23,538,571, plus strand): 5'-GATGCTTATCTGCAATGGCAGCAGCACTTACCCTTTGCCACACTTGGGGTTAGGGTTATC[C>T]GAAAGGAACATGGGCAGGAATCTCATGAAGTCTCCCCCCTGAGGCCTCTGTTTGCCTTCC-3'
Protein context (NP_000262.2, residues 994-1014): DFMRFLPMFL[Ser1004=]DNPNPKCGKG